The following is an entry in ClinVar:

NM_004655.4(AXIN2):c.39C>T (p.Pro13=)

Gene: AXIN2 (axin 2; minus strand). Cytogenetic location: 17q24.1.
Variant type: single nucleotide variant.
Coding change: c.39C>T on transcript NM_004655.4 (MANE Select); coding-DNA position 39, C replaced by T.
Protein change: p.Pro13=; no amino-acid change (proline 13 retained).
Molecular consequence: synonymous variant.
Genome position (GRCh38, 1-based): chr17:65,558,582, G>A on the plus strand (C>T on the coding strand, the complement: AXIN2 is on the minus strand). VCF-style: chr17-65558582-G-A. GRCh37 (hg19) VCF-style: chr17-63554700-G-A.
Other names: c.39C>T, p.Pro13= (NM_001363813.1); c.39C>T (LRG_296t1).
Identifiers: ClinVar variation 415199 (VCV000415199.17), dbSNP rs1060504478, ClinGen allele CA16615654.

ClinVar aggregate classification (germline): Conflicting classifications of pathogenicity. Review status: criteria provided, conflicting classifications (1 of 4 stars). 5 submissions from 5 submitters: Uncertain significance (1); Benign (1); Likely benign (3). Last evaluated 2025-12-28.

Conditions:
Hereditary cancer-predisposing syndrome. Also called: Tumor predisposition; Neoplastic Syndromes, Hereditary; Hereditary neoplastic syndrome; Hereditary Cancer Syndrome. Identifiers: Orphanet 140162, MedGen C0027672, MeSH D009386, MONDO:0015356.
Oligodontia-cancer predisposition syndrome. Also called: TOOTH AGENESIS-COLORECTAL CANCER SYNDROME. Identifiers: Orphanet 300576, MedGen C1837750, MONDO:0012075, OMIM 608615. Disease mechanism: loss of function.

Allele frequency attached by ClinVar (database versions not stated): gnomAD exomes below 0.00001; gnomAD 0.00001; TOPMed 0.00002.
gnomAD v4.1: 4 of 1,611,062 alleles (0.00025%); highest among the groups gnomAD compares: Admixed American, 0.0033%; no homozygotes.

Submissions (5):

Labcorp Genetics (formerly Invitae), Labcorp
Classification: Likely benign for Oligodontia-cancer predisposition syndrome. Last evaluated: 2025-12-28. Review status: criteria provided, single submitter. Criteria: Invitae Variant Classification Sherloc (09022015). Collection method: clinical testing. Allele origin: germline.

Quest Diagnostics Nichols Institute San Juan Capistrano
Classification: Uncertain significance. Last evaluated: 2025-01-03. Review status: criteria provided, single submitter. Criteria: Quest Diagnostics criteria. Collection method: clinical testing. Allele origin: unknown.
Comment: The AXIN2 c.39C>T (p.Pro13=) synonymous variant has not been reported in individuals with AXIN2-related conditions in the published literature. The frequency of this variant in the general population (Genome Aggregation Database) is uninformative in the assessment of its pathogenicity. Analysis of this variant using software algorithms for the prediction of the effect of nucleotide changes on splicing yielded predictions that this variant does not affect AXIN2 mRNA splicing. Based on the available information, we are unable to determine the clinical significance of this variant.

Myriad Genetics, Inc.
Classification: Benign for Oligodontia-cancer predisposition syndrome. Last evaluated: 2024-06-25. Review status: criteria provided, single submitter. Criteria: Myriad Autosomal Dominant, Autosomal Recessive and X-Linked Classification Criteria (2023). Collection method: clinical testing. Allele origin: unknown.
Comment: This variant is considered benign. This variant is a silent/synonymous amino acid change and it is not expected to impact splicing.

Ambry Genetics
Classification: Likely benign for Hereditary cancer-predisposing syndrome. Last evaluated: 2021-08-19. Review status: criteria provided, single submitter. Criteria: Ambry Variant Classification Scheme 2023. Collection method: clinical testing. Allele origin: germline.

GeneDx
Classification: Likely benign. Last evaluated: 2019-07-09. Review status: criteria provided, single submitter. Criteria: GeneDx Variant Classification Process June 2021. Collection method: clinical testing. Allele origin: germline. Affected: yes.